The following is an entry in ClinVar:

NM_017662.5(TRPM6):c.1312G>T (p.Asp438Tyr)

Gene: TRPM6 (transient receptor potential cation channel subfamily M member 6; minus strand). Cytogenetic location: 9q21.13.
Variant type: single nucleotide variant.
Coding change: c.1312G>T on transcript NM_017662.5 (MANE Select); coding-DNA position 1312, G replaced by T.
Protein change: p.Asp438Tyr; replaces aspartic acid 438 with tyrosine.
Molecular consequence: missense variant.
Genome position (GRCh38, 1-based): chr9:74,812,430, C>A on the plus strand (G>T on the coding strand, the complement: TRPM6 is on the minus strand). VCF-style: chr9-74812430-C-A. GRCh37 (hg19) VCF-style: chr9-77427346-C-A.
Other names: c.1297G>T, p.Asp433Tyr (NM_001177310.2, NM_001177311.2); short protein forms D438Y, D433Y.
Identifiers: ClinVar variation 2025080 (VCV002025080.4), dbSNP rs2490055615, ClinGen allele CA373691436.

ClinVar aggregate classification (germline): Uncertain significance (1 of 4 stars; one submission).

Submission:

Labcorp Genetics (formerly Invitae), Labcorp
Classification: Uncertain significance. Last evaluated: 2022-08-20. Review status: criteria provided, single submitter. Criteria: Invitae Variant Classification Sherloc (09022015). Collection method: clinical testing. Allele origin: germline.
Comment: Algorithms developed to predict the effect of missense changes on protein structure and function are either unavailable or do not agree on the potential impact of this missense change (SIFT: "Deleterious"; PolyPhen-2: "Benign"; Align-GVGD: "Class C0"). This variant has not been reported in the literature in individuals affected with TRPM6-related conditions. This variant is not present in population databases (gnomAD no frequency). This sequence change replaces aspartic acid, which is acidic and polar, with tyrosine, which is neutral and polar, at codon 438 of the TRPM6 protein (p.Asp438Tyr). In summary, the available evidence is currently insufficient to determine the role of this variant in disease. Therefore, it has been classified as a Variant of Uncertain Significance.